The following is an entry in ClinVar:

NM_000170.3(GLDC):c.2446G>A (p.Ala816Thr)

Gene: GLDC (glycine decarboxylase; minus strand). Cytogenetic location: 9p24.1.
Variant type: single nucleotide variant.
Coding change: c.2446G>A on transcript NM_000170.3 (MANE Select); coding-DNA position 2446, G replaced by A.
Protein change: p.Ala816Thr; replaces alanine 816 with threonine.
Molecular consequence: missense variant.
Genome position (GRCh38, 1-based): chr9:6,553,379, C>T on the plus strand (G>A on the coding strand, the complement: GLDC is on the minus strand). VCF-style: chr9-6553379-C-T. GRCh37 (hg19) VCF-style: chr9-6553379-C-T.
Other names: short protein forms A816T.
Identifiers: ClinVar variation 531779 (VCV000531779.50), dbSNP rs775834004, ClinGen allele CA4980231.

ClinVar aggregate classification (germline): Uncertain significance. Review status: criteria provided, multiple submitters, no conflicts (2 of 4 stars). 5 submissions from 5 submitters: Uncertain significance (4). 1 of the submissions does not count toward it. Last evaluated 2025-09-08.

Conditions:
Glycine encephalopathy. Also called: Non-ketotic hyperglycinemia; Nonketotic hyperglycinemia. Identifiers: Orphanet 407, MedGen C0751748, MONDO:0011612, HP:0008288.

Allele frequency attached by ClinVar (database versions not stated): gnomAD exomes 0.00004 and 0.00005; ExAC 0.00005; gnomAD 0.00007; TOPMed 0.00009.
gnomAD v4.1: 72 of 1,613,942 alleles (0.0045%); highest among the groups gnomAD compares: Admixed American, 0.028%; no homozygotes.

Submissions (5):

GeneDx
Classification: Uncertain significance. Last evaluated: 2025-09-08. Review status: criteria provided, single submitter. Criteria: GeneDx Variant Classification Process June 2021. Collection method: clinical testing. Allele origin: germline. Affected: yes.
Comment: In silico analysis suggests that this missense variant does not alter protein structure/function; Has not been previously published as pathogenic or benign to our knowledge

Labcorp Genetics (formerly Invitae), Labcorp
Classification: Uncertain significance for Glycine encephalopathy. Last evaluated: 2025-01-20. Review status: criteria provided, single submitter. Criteria: Invitae Variant Classification Sherloc (09022015). Collection method: clinical testing. Allele origin: germline.
Comment: This sequence change replaces alanine, which is neutral and non-polar, with threonine, which is neutral and polar, at codon 816 of the GLDC protein (p.Ala816Thr). This variant is present in population databases (rs775834004, gnomAD 0.02%). This variant has not been reported in the literature in individuals affected with GLDC-related conditions. ClinVar contains an entry for this variant (Variation ID: 531779). Invitae Evidence Modeling of protein sequence and biophysical properties (such as structural, functional, and spatial information, amino acid conservation, physicochemical variation, residue mobility, and thermodynamic stability) indicates that this missense variant is not expected to disrupt GLDC protein function with a negative predictive value of 80%. In summary, the available evidence is currently insufficient to determine the role of this variant in disease. Therefore, it has been classified as a Variant of Uncertain Significance.

Blueprint Genetics
Classification: Uncertain significance. Last evaluated: 2024-09-09. Review status: criteria provided, single submitter. Criteria: ACMG Guidelines, 2015. Collection method: clinical testing. Allele origin: germline.

CeGaT Center for Human Genetics Tuebingen
Classification: Uncertain significance. Last evaluated: 2017-01-01. Review status: criteria provided, single submitter. Criteria: CeGaT Center For Human Genetics Tuebingen Variant Classification Criteria Version 2. Collection method: clinical testing. Allele origin: germline. Affected: yes. Observed: 1 variant allele.

Natera, Inc.
Classification: Uncertain significance for Non-ketotic hyperglycinemia. Last evaluated: 2019-10-28. Review status: no assertion criteria provided. Collection method: clinical testing. Allele origin: germline. Not counted in ClinVar's aggregate classification.